The following is an entry in ClinVar:

NM_000384.3(APOB):c.4526C>T (p.Pro1509Leu)

Gene: APOB (apolipoprotein B; minus strand). Cytogenetic location: 2p24.1.
Variant type: single nucleotide variant.
Coding change: c.4526C>T on transcript NM_000384.3 (MANE Select); coding-DNA position 4526, C replaced by T.
Protein change: p.Pro1509Leu; replaces proline 1509 with leucine.
Molecular consequence: missense variant.
Genome position (GRCh38, 1-based): chr2:21,012,342, G>A on the plus strand (C>T on the coding strand, the complement: APOB is on the minus strand). VCF-style: chr2-21012342-G-A. GRCh37 (hg19) VCF-style: chr2-21235214-G-A.
Other names: short protein forms P1509L.
Identifiers: ClinVar variation 2565836 (VCV002565836.2), dbSNP rs770808629, ClinGen allele CA346006691.

ClinVar aggregate classification (germline): Uncertain significance (1 of 4 stars; one submission).

Conditions:
Cardiovascular phenotype. Identifiers: MedGen CN230736.

gnomAD v4.1: 7 of 1,614,144 alleles (0.00043%); highest among the groups gnomAD compares: South Asian, 0.0033%; no homozygotes.

Submission:

Ambry Genetics
Classification: Uncertain significance for Cardiovascular phenotype. Last evaluated: 2023-03-24. Review status: criteria provided, single submitter. Criteria: Ambry Variant Classification Scheme 2023. Collection method: clinical testing. Allele origin: germline.
Comment: The p.P1509L variant (also known as c.4526C>T), located in coding exon 26 of the APOB gene, results from a C to T substitution at nucleotide position 4526. The proline at codon 1509 is replaced by leucine, an amino acid with similar properties. This amino acid position is conserved. In addition, this alteration is predicted to be tolerated by in silico analysis. Since supporting evidence is limited at this time, the clinical significance of this alteration remains unclear.